The following is an entry in ClinVar:

ClinVar aggregate classification (germline): Uncertain significance (1 of 4 stars; one submission).

Conditions:
Developmental and epileptic encephalopathy 94 (DEE94). Also called: CHD2-Related Neurodevelopmental Disorders; Epileptic encephalopathy, childhood-onset. Identifiers: Orphanet 1942, Orphanet 2382, MedGen C3809278, MONDO:0014150, OMIM 615369.

Allele frequency attached by ClinVar (database versions not stated): gnomAD exomes below 0.00001.
gnomAD v4.1: 1 of 1,614,222 alleles (0.000062%); no homozygotes.

Submission:

Labcorp Genetics (formerly Invitae), Labcorp
Classification: Uncertain significance for Developmental and epileptic encephalopathy 94. Last evaluated: 2024-10-16. Review status: criteria provided, single submitter. Criteria: Invitae Variant Classification Sherloc (09022015). Collection method: clinical testing. Allele origin: germline.
Comment: This sequence change replaces glutamine, which is neutral and polar, with arginine, which is basic and polar, at codon 198 of the CHD2 protein (p.Gln198Arg). This variant is present in population databases (no rsID available, gnomAD no frequency). This variant has not been reported in the literature in individuals affected with CHD2-related conditions. ClinVar contains an entry for this variant (Variation ID: 1494216). Invitae Evidence Modeling of protein sequence and biophysical properties (such as structural, functional, and spatial information, amino acid conservation, physicochemical variation, residue mobility, and thermodynamic stability) indicates that this missense variant is not expected to disrupt CHD2 protein function with a negative predictive value of 95%. In summary, the available evidence is currently insufficient to determine the role of this variant in disease. Therefore, it has been classified as a Variant of Uncertain Significance.

NM_001271.4(CHD2):c.593A>G (p.Gln198Arg)

Gene: CHD2 (chromodomain helicase DNA binding protein 2; plus strand). Cytogenetic location: 15q26.1.
Variant type: single nucleotide variant.
Coding change: c.593A>G on transcript NM_001271.4 (MANE Select); coding-DNA position 593, A replaced by G.
Protein change: p.Gln198Arg; replaces glutamine 198 with arginine.
Molecular consequence: missense variant.
Genome position (GRCh38, 1-based): chr15:92,939,619, A>G. VCF-style: chr15-92939619-A-G. GRCh37 (hg19) VCF-style: chr15-93482849-A-G.
Other names: c.593A>G, p.Gln198Arg (NM_001042572.3); short protein forms Q198R.
Identifiers: ClinVar variation 1494216 (VCV001494216.8), dbSNP rs927044414, ClinGen allele CA393900061.